The following is an entry in ClinVar:

ClinVar aggregate classification (germline): Uncertain significance (1 of 4 stars; one submission).

Conditions:
Tuberous sclerosis syndrome (TSC). Also called: Tuberous Sclerosis Complex; Tuberous sclerosis. Identifiers: Orphanet 805, MedGen C0041341, MONDO:0001734.

Submission:

Color Diagnostics, LLC DBA Color Health
Classification: Uncertain significance for Tuberous sclerosis syndrome. Last evaluated: 2025-07-14. Review status: criteria provided, single submitter. Criteria: ACMG Guidelines, 2015. Collection method: clinical testing. Allele origin: germline.
Comment: This variant causes an A to G nucleotide substitution at the +6 position of intron 18/22 of the TSC1 gene. To our knowledge, functional studies have not been reported for this variant. This variant has not been reported in individuals affected with TSC1-related disorders in the literature. This variant has not been identified in the general population by the Genome Aggregation Database (gnomAD). The available evidence is insufficient to determine the role of this variant in disease conclusively. Therefore, this variant is classified as a Variant of Uncertain Significance.

NM_000368.5(TSC1):c.2391+6A>G

Gene: TSC1 (TSC complex subunit 1; minus strand). Cytogenetic location: 9q34.13.
Variant type: single nucleotide variant.
Coding change: c.2391+6A>G on transcript NM_000368.5 (MANE Select); 6 bases into the intron after coding-DNA position 2391, A replaced by G.
Molecular consequence: intron variant.
Genome position (GRCh38, 1-based): chr9:132,902,599, T>C on the plus strand (A>G on the coding strand, the complement: TSC1 is on the minus strand). VCF-style: chr9-132902599-T-C. GRCh37 (hg19) VCF-style: chr9-135777986-T-C.
Other names: c.2025+6A>G (NM_001406620.1, NM_001406625.1, NM_001406621.1 and 2 more transcripts); c.2028+6A>G (NM_001406618.1, NM_001406617.1, NM_001406619.1 and 5 more transcripts); c.2235+6A>G (NM_001406613.1, NM_001406612.1, NM_001406611.1); c.2238+6A>G (NM_001406610.1, NM_001162427.2); c.1437+6A>G (NM_001406627.1, NM_001406628.1); c.1338+6A>G (NM_001406629.1, NM_001406630.1); c.2373+6A>G (NM_001406603.1, NM_001406604.1); c.2388+6A>G (NM_001406609.1, NM_001406597.1, NM_001406600.1 and 4 more transcripts); and 3 more.
Identifiers: ClinVar variation 4758906 (VCV004758906.1).